The following is an entry in ClinVar:

ClinVar aggregate classification (germline): Pathogenic/Likely pathogenic. Review status: criteria provided, multiple submitters, no conflicts (2 of 4 stars). 4 submissions from 4 submitters: Pathogenic (2); Likely pathogenic (1). 1 of the submissions does not count toward it. Last evaluated 2024-10-11.

Conditions:
Metachromatic leukodystrophy (MLD). Also called: Cerebral sclerosis diffuse metachromatic form; Arylsulfatase A Deficiency; SULFATIDE LIPIDOSIS; CEREBROSIDE SULFATASE DEFICIENCY; METACHROMATIC LEUKOENCEPHALOPATHY; ARSA DEFICIENCY. Identifiers: Orphanet 512, MedGen C0023522, MONDO:0018868, OMIM 250100.

Submissions (4):

Natera, Inc.
Classification: Pathogenic for Metachromatic leukodystrophy. Last evaluated: 2024-10-11. Review status: criteria provided, single submitter. Criteria: Natera Variant Classification Schema (03/2026). Collection method: clinical testing. Allele origin: germline.
Comment: The c.211_212delTG variant in ARSA is a frameshift variant predicted to shift the reading frame beginning at codon 71 and leads to a stop codon 4 codons downstream. This variant is expected to result in nonsense mediated decay, truncation, or a dysfunctional protein product. This variant is rare in the general population with a frequency below the threshold expected for the associated phenotype(s). This variant has been observed in one or more individuals affected with the associated recessive disease, as either homozygous or compound heterozygous with a second variant (PMID: 14517960). Given the available evidence, this variant is classified as Pathogenic.

Labcorp Genetics (formerly Invitae), Labcorp
Classification: Pathogenic for Metachromatic leukodystrophy. Last evaluated: 2022-12-15. Review status: criteria provided, single submitter. Criteria: Invitae Variant Classification Sherloc (09022015). Collection method: clinical testing. Allele origin: germline.
Comment: ClinVar contains an entry for this variant (Variation ID: 370171). This variant is also known as c.205_206delTG (p.Cys69fs). This premature translational stop signal has been observed in individual(s) with metachromatic leukodystrophy (PMID: 14517960). This variant is not present in population databases (gnomAD no frequency). This sequence change creates a premature translational stop signal (p.Cys71Hisfs*4) in the ARSA gene. It is expected to result in an absent or disrupted protein product. Loss-of-function variants in ARSA are known to be pathogenic (PMID: 8962139, 10477432). For these reasons, this variant has been classified as Pathogenic.

Women's Health and Genetics/Laboratory Corporation of America, LabCorp
Classification: Likely pathogenic for Metachromatic leukodystrophy. Last evaluated: 2019-08-29. Review status: criteria provided, single submitter. Criteria: LabCorp Variant Classification Summary - May 2015. Collection method: clinical testing. Allele origin: germline.
Comment: Variant summary: ARSA c.211_212delTG (p.Cys71HisfsX4) results in a premature termination codon, predicted to cause a truncation of the encoded protein or absence of the protein due to nonsense mediated decay, which are commonly known mechanisms for disease. Truncations downstream of this position have been classified as pathogenic by our laboratory (e.g. c.304delC, p.Leu102fsX6; c.960G>A, p.Trp320X). The variant was absent in 168270 control chromosomes (gnomAD). The variant, c.211_212delTG, has been reported in the literature in one homozygous individual affected with Metachromatic Leukodystrophy (Eng_2003). These data indicate that the variant may be associated with disease. To our knowledge, no experimental evidence demonstrating an impact on protein function has been reported. One ClinVar submission from other clinical diagnostic laboratories (evaluation after 2014) cited the variant once as likely pathogenic. Based on the evidence outlined above, the variant was classified as likely pathogenic.

Counsyl
Classification: Likely pathogenic for Metachromatic leukodystrophy. Last evaluated: 2015-12-08. Review status: no assertion criteria provided. Collection method: clinical testing. Allele origin: unknown. Not counted in ClinVar's aggregate classification.

Literature cited by the submitters: PubMed 14517960 (cited by 4 submitters); PubMed 8962139 (cited by Labcorp Genetics (formerly Invitae), Labcorp); PubMed 10477432 (cited by Labcorp Genetics (formerly Invitae), Labcorp); PubMed 26462614 (cited by Women's Health and Genetics/Laboratory Corporation of America, LabCorp).

NM_000487.6(ARSA):c.211_212del (p.Cys71fs)

Gene: ARSA (arylsulfatase A; minus strand). Cytogenetic location: 22q13.33.
Variant type: Microsatellite.
Coding change: c.211_212del on transcript NM_000487.6 (MANE Select); coding-DNA positions 211 to 212, 2 bases deleted (TG; older notation c.211_212delTG).
Protein change: p.Cys71fs; shifts the reading frame from cysteine 71.
Molecular consequence: frameshift variant. On other transcripts: intron variant (2).
Genome position (GRCh38, 1-based): chr22:50,627,568-50,627,569, CA deleted on the plus strand (TG on the coding strand, the reverse complement: ARSA is on the minus strand); deleting any 2 consecutive bases within chr22:50,627,568-50,627,571 gives the same sequence; the c. name uses the placement nearest the transcript's 3' end. VCF-style (leftmost placement, unchanged base first): chr22-50627567-GCA-G. GRCh37 (hg19) VCF-style: chr22-51065995-GCA-G.
Other names: c.211_212del (NM_000487.5); c.211_212del, p.Cys71fs (NM_001085425.3, NM_001085426.3, NM_001085427.3); c.-34-163_-34-162del (NM_001362782.2, NM_001085428.3); short protein forms C71fs.
Identifiers: ClinVar variation 370171 (VCV000370171.11), dbSNP rs1057516288, ClinGen allele CA16042046.
Genomic context (GRCh38, chr22:50,627,567, plus strand): 5'-GAAAGGGATGGAGGGTCGGGGCGGGGAAGAGGCGCGGCCCCCTCTTTACCTAGAGGGTGT[GCA>G]CAGAGACACAGGCACGTAGAAGTCTGTGAACCGCAGCCCTCCCGCCGCCAGCTGGTCCAG-3'